The following is an entry in ClinVar:

NM_177924.5(ASAH1):c.173C>T (p.Pro58Leu)

Gene: ASAH1 (N-acylsphingosine amidohydrolase 1; minus strand). Cytogenetic location: 8p22.
Variant type: single nucleotide variant.
Coding change: c.173C>T on transcript NM_177924.5 (MANE Select); coding-DNA position 173, C replaced by T.
Protein change: p.Pro58Leu; replaces proline 58 with leucine.
Molecular consequence: missense variant. On other transcripts: 5 prime UTR variant (1).
Genome position (GRCh38, 1-based): chr8:18,071,343, G>A on the plus strand (C>T on the coding strand, the complement: ASAH1 is on the minus strand). VCF-style: chr8-18071343-G-A. GRCh37 (hg19) VCF-style: chr8-17928852-G-A.
Other names: c.242C>T, p.Pro81Leu (NM_001127505.3); c.-23C>T (NM_001363743.2); c.221C>T, p.Pro74Leu (NM_004315.6); short protein forms P58L, P74L, P81L.
Identifiers: ClinVar variation 2165548 (VCV002165548.4), dbSNP rs1319398170, ClinGen allele CA370433969.
Genomic context (GRCh38, chr8:18,071,343, plus strand): 5'-TAAGCATCATAGCATACCACTGGTGCCTTGTCAAGCATCAATTCATGCCATCTTTTGTAG[G>A]GTGGTAAGTCAAGATTTATGGTGTACCATGGAACTGCACCTCTGTACCTGTAATGAGAGG-3'
Protein context (NP_808592.2, residues 48-68): PWYTINLDLP[Pro58Leu]YKRWHELMLD

ClinVar aggregate classification (germline): Uncertain significance (1 of 4 stars; one submission).

Allele frequency attached by ClinVar (database versions not stated): gnomAD exomes below 0.00001.
gnomAD v4.1: 5 of 1,605,298 alleles (0.00031%); highest among the groups gnomAD compares: Non-Finnish European, 0.00043%; no homozygotes.

Submission:

Labcorp Genetics (formerly Invitae), Labcorp
Classification: Uncertain significance. Last evaluated: 2022-08-21. Review status: criteria provided, single submitter. Criteria: Invitae Variant Classification Sherloc (09022015). Collection method: clinical testing. Allele origin: germline.
Comment: In summary, the available evidence is currently insufficient to determine the role of this variant in disease. Therefore, it has been classified as a Variant of Uncertain Significance. Algorithms developed to predict the effect of missense changes on protein structure and function (SIFT, PolyPhen-2, Align-GVGD) all suggest that this variant is likely to be disruptive. This variant has not been reported in the literature in individuals affected with ASAH1-related conditions. This variant is not present in population databases (gnomAD no frequency). This sequence change replaces proline, which is neutral and non-polar, with leucine, which is neutral and non-polar, at codon 58 of the ASAH1 protein (p.Pro58Leu).